The following is an entry in ClinVar:

NM_000133.4(F9):c.580A>G (p.Thr194Ala)

Gene: F9 (coagulation factor IX; plus strand). Cytogenetic location: Xq27.1.
Variant type: single nucleotide variant.
Coding change: c.580A>G on transcript NM_000133.4 (MANE Select); coding-DNA position 580, A replaced by G.
Protein change: p.Thr194Ala; replaces threonine 194 with alanine.
Molecular consequence: missense variant.
Genome position (GRCh38, 1-based): chrX:139,551,121, A>G. VCF-style: chrX-139551121-A-G. GRCh37 (hg19) VCF-style: chrX-138633280-A-G.
Other names: F9, THR148ALA; T148A; NM_000133.3(F9):c.580A>G; c.466A>G, p.Thr156Ala (NM_001313913.2); short protein forms T194A, T156A.
Identifiers: ClinVar variation 10588 (VCV000010588.36), dbSNP rs6048, ClinGen allele CA121125.

ClinVar aggregate classification (germline): Benign. Review status: reviewed by expert panel (3 of 4 stars). 14 submissions from 13 submitters: Benign (1). 13 of the submissions do not count toward it. Last evaluated 2024-02-09.

Conditions:
Deep venous thrombosis, protection against. Identifiers: MedGen C3275410.
Thrombophilia, X-linked, due to factor 9 defect. Identifiers: MedGen C2749016, MONDO:0010432, OMIM 300807.
Hereditary factor IX deficiency disease (HEMB). Also called: F9 DEFICIENCY; FACTOR IX DEFICIENCY; Christmas Disease; Hemophilia B; PLASMA THROMBOPLASTIN COMPONENT DEFICIENCY. Identifiers: Orphanet 98879, MedGen C0008533, MeSH D002836, MONDO:0010604, OMIM 306900.

Allele frequency attached by ClinVar (database versions not stated): 1000 Genomes Project 30x 0.14568; 1000 Genomes Project 0.14570; TOPMed 0.20742; gnomAD exomes 0.21711 and 0.27361; ExAC 0.22086; gnomAD 0.22334 and 0.22614.
gnomAD v4.1: 324,101 of 1,208,948 alleles (27%); highest among the groups gnomAD compares: Non-Finnish European, 30%; 31,752 homozygotes.

Submissions (14):

ClinGen Coagulation Factor Deficiency Variant Curation Expert Panel, Clingen
Classification: Benign for Hereditary factor IX deficiency disease. Last evaluated: 2024-02-09. Review status: reviewed by expert panel. Criteria: ClinGen CoagFactor ACMG Specifications F9 V1.0.0. Collection method: curation. Allele origin: germline. Inheritance: X-linked inheritance.
Comment: The c.580A>G (p.Thr194Ala) variant is reported at an MAF of 0.3026 (27985/92495 alleles) in the non-Finnish European population in gnomAD v2.1.1 with 2609 homozygotes and 10667 hemizygotes, meeting BA1 criteria of MAF > 0.0000556. Note that gnomAD v3.1.1 reports a frequency of 0.3041 in the NFE population, with 1859 homozygotes and 4024 hemizygotes. This missense variant has a REVEL score of 0.255 (<0.3) and SpliceAI predicts no impact on splicing, with a score of 0.0, meeting BP4 criteria. In summary, this variant meets criteria to be classified as benign. ACMG/AMP criteria applied, as specified by the Coagulation Factor Deficiency Variant Curation Expert Panel for F9: BA1, BP4.

Labcorp Genetics (formerly Invitae), Labcorp
Classification: Benign for Thrombophilia, X-linked, due to factor 9 defect; Hereditary factor IX deficiency disease. Last evaluated: 2026-02-04. Review status: criteria provided, single submitter. Criteria: Invitae Variant Classification Sherloc (09022015). Collection method: clinical testing. Allele origin: germline. Not counted in ClinVar's aggregate classification.

Women's Health and Genetics/Laboratory Corporation of America, LabCorp
Classification: Likely benign. Last evaluated: 2025-11-14. Review status: criteria provided, single submitter. Criteria: LabCorp Variant Classification Summary - May 2015. Collection method: clinical testing. Allele origin: germline. Not counted in ClinVar's aggregate classification.

Blueprint Genetics
Classification: Benign. Last evaluated: 2024-11-28. Review status: criteria provided, single submitter. Criteria: ACMG Guidelines, 2015. Collection method: clinical testing. Allele origin: germline. Not counted in ClinVar's aggregate classification.

Mayo Clinic Laboratories, Mayo Clinic
Classification: Benign. Last evaluated: 2023-07-20. Review status: criteria provided, single submitter. Criteria: ACMG Guidelines, 2015. Collection method: clinical testing. Allele origin: germline. Observed: 99 variant alleles. Not counted in ClinVar's aggregate classification.
Comment: BA1, BS2

ARUP Laboratories, Molecular Genetics and Genomics, ARUP Laboratories
Classification: Benign. Last evaluated: 2021-11-25. Review status: criteria provided, single submitter. Criteria: ARUP Molecular Germline Variant Investigation Process 2021. Collection method: clinical testing. Allele origin: germline. Not counted in ClinVar's aggregate classification.

Genome-Nilou Lab
Classification: Benign for Hereditary factor IX deficiency disease. Last evaluated: 2021-08-10. Review status: criteria provided, single submitter. Criteria: ACMG Guidelines, 2015. Collection method: clinical testing. Allele origin: germline. Affected: no. Not counted in ClinVar's aggregate classification.

Genome-Nilou Lab
Classification: Benign for Thrombophilia, X-linked, due to factor 9 defect. Last evaluated: 2021-08-10. Review status: criteria provided, single submitter. Criteria: ACMG Guidelines, 2015. Collection method: clinical testing. Allele origin: germline. Affected: no. Not counted in ClinVar's aggregate classification.

Illumina Laboratory Services, Illumina
Classification: Benign for Hereditary factor IX deficiency disease. Last evaluated: 2018-01-13. Review status: criteria provided, single submitter. Criteria: ICSL Variant Classification Criteria 13 December 2019. Collection method: clinical testing. Allele origin: germline. Not counted in ClinVar's aggregate classification.
Comment: This variant was observed in the ICSL laboratory as part of a predisposition screen in an ostensibly healthy population. It had not been previously curated by ICSL or reported in the Human Gene Mutation Database (HGMD: prior to June 1st, 2018), and was therefore a candidate for classification through an automated scoring system. Utilizing variant allele frequency, disease prevalence and penetrance estimates, and inheritance mode, an automated score was calculated to assess if this variant is too frequent to cause the disease. Based on the score and internal cut-off values, a variant classified as benign is not then subjected to further curation. The score for this variant resulted in a classification of benign for this disease.

Eurofins Ntd Llc (ga)
Classification: Benign. Last evaluated: 2016-02-12. Review status: criteria provided, single submitter. Criteria: EGL Classification Definitions 2015. Collection method: clinical testing. Allele origin: germline. Observed: 1 variant allele, 1 heterozygote. Not counted in ClinVar's aggregate classification.

Breakthrough Genomics
Classification: Benign. Review status: criteria provided, single submitter. Criteria: ACMG Guidelines, 2015. Collection method: not provided. Allele origin: germline. Inheritance: X-linked inheritance. Affected: yes. Not counted in ClinVar's aggregate classification.

PreventionGenetics, part of Exact Sciences
Classification: Benign. Review status: criteria provided, single submitter. Criteria: ACMG Guidelines, 2015. Collection method: clinical testing. Allele origin: germline. Not counted in ClinVar's aggregate classification.

Natera, Inc.
Classification: Benign for Hemophilia B. Last evaluated: 2020-09-16. Review status: no assertion criteria provided. Collection method: clinical testing. Allele origin: germline. Not counted in ClinVar's aggregate classification.

OMIM
Classification: protective for DEEP VENOUS THROMBOSIS, PROTECTION AGAINST. Last evaluated: 2009-05-01. Review status: no assertion criteria provided. Collection method: literature only. Allele origin: germline. Not counted in ClinVar's aggregate classification.

Literature cited by the submitters: PubMed 3857619 (cited by OMIM); PubMed 2564457 (cited by OMIM); PubMed 2450455 (cited by OMIM); Bezemer, I. D., Bare, L. A., Doggen, C. J. M., Arellano, A. R., Tong, C., Rowland, C. M., Catanese, J., Young, B. A., Reitsma, P. H., Devlin, J. J., Rosendaal, F. R. Gene variants associated with deep vein thrombosis. JAMA 299: 1306-1314, 2008. (cited by OMIM); PubMed 19286883 (cited by OMIM).